The following is an entry in ClinVar:

ClinVar aggregate classification (germline): Uncertain significance. Review status: criteria provided, multiple submitters, no conflicts (2 of 4 stars). 3 submissions from 3 submitters: Uncertain significance (3). Last evaluated 2024-07-08.

Conditions:
Inborn genetic diseases. Identifiers: MedGen C0950123, MeSH D030342.

Allele frequency attached by ClinVar (database versions not stated): gnomAD exomes 0.00003; ExAC 0.00004; ESP Exome Variant Server 0.00008; 1000 Genomes Project 30x 0.00031; 1000 Genomes Project 0.00040.
gnomAD v4.1: 35 of 1,594,626 alleles (0.0022%); highest among the groups gnomAD compares: Admixed American, 0.014%; no homozygotes.

Submissions (3):

Blueprint Genetics
Classification: Uncertain significance. Last evaluated: 2024-07-08. Review status: criteria provided, single submitter. Criteria: ACMG Guidelines, 2015. Collection method: clinical testing. Allele origin: germline.

Ambry Genetics
Classification: Uncertain significance for Inborn genetic diseases. Last evaluated: 2023-03-07. Review status: criteria provided, single submitter. Criteria: Ambry Variant Classification Scheme 2023. Collection method: clinical testing. Allele origin: germline.

Labcorp Genetics (formerly Invitae), Labcorp
Classification: Uncertain significance. Last evaluated: 2022-09-15. Review status: criteria provided, single submitter. Criteria: Invitae Variant Classification Sherloc (09022015). Collection method: clinical testing. Allele origin: germline.
Comment: This sequence change replaces alanine, which is neutral and non-polar, with valine, which is neutral and non-polar, at codon 726 of the ARHGEF18 protein (p.Ala726Val). This variant is present in population databases (rs146065096, gnomAD 0.01%). This variant has not been reported in the literature in individuals affected with ARHGEF18-related conditions. ClinVar contains an entry for this variant (Variation ID: 1512561). Algorithms developed to predict the effect of missense changes on protein structure and function (SIFT, PolyPhen-2, Align-GVGD) all suggest that this variant is likely to be tolerated. In summary, the available evidence is currently insufficient to determine the role of this variant in disease. Therefore, it has been classified as a Variant of Uncertain Significance.

NM_001367823.1(ARHGEF18):c.2741C>T (p.Ala914Val)

Gene: ARHGEF18 (Rho/Rac guanine nucleotide exchange factor 18; plus strand). Cytogenetic location: 19p13.2.
Variant type: single nucleotide variant.
Coding change: c.2741C>T on transcript NM_001367823.1 (MANE Select); coding-DNA position 2741, C replaced by T.
Protein change: p.Ala914Val; replaces alanine 914 with valine.
Molecular consequence: missense variant.
Genome position (GRCh38, 1-based): chr19:7,463,923, C>T. VCF-style: chr19-7463923-C-T. GRCh37 (hg19) VCF-style: chr19-7528809-C-T.
Other names: c.2177C>T (NM_001130955.1); c.2015C>T, p.Ala672Val (NM_001130955.2); c.1703C>T, p.Ala568Val (NM_001367824.1, NM_015318.4); short protein forms A914V, A568V, A672V.
Identifiers: ClinVar variation 1512561 (VCV001512561.5), dbSNP rs146065096, ClinGen allele CA9136962.